The following is an entry in ClinVar:

NM_005477.3(HCN4):c.1492A>G (p.Ser498Gly)

Gene: HCN4 (hyperpolarization activated cyclic nucleotide gated potassium channel 4; minus strand). Cytogenetic location: 15q24.1.
Variant type: single nucleotide variant.
Coding change: c.1492A>G on transcript NM_005477.3 (MANE Select); coding-DNA position 1492, A replaced by G.
Protein change: p.Ser498Gly; replaces serine 498 with glycine.
Molecular consequence: missense variant.
Genome position (GRCh38, 1-based): chr15:73,329,671, T>C on the plus strand (A>G on the coding strand, the complement: HCN4 is on the minus strand). VCF-style: chr15-73329671-T-C. GRCh37 (hg19) VCF-style: chr15-73622012-T-C.
Other names: p.Ser498Gly; short protein forms S498G.
Identifiers: ClinVar variation 4871888 (VCV004871888.1).

ClinVar aggregate classification (germline): Uncertain significance (1 of 4 stars; one submission).

Conditions:
Sick sinus syndrome 2, autosomal dominant (SSS2). Also called: ATRIAL FIBRILLATION WITH BRADYARRHYTHMIA; SINUS BRADYCARDIA SYNDROME, FAMILIAL, AUTOSOMAL DOMINANT; SINUS NODE DISEASE, FAMILIAL, AUTOSOMAL DOMINANT; SICK SINUS SYNDROME 2; SICK SINUS SYNDROME 2 WITH OR WITHOUT CARDIAC NONCOMPACTION AND/OR ASCENDING AORTA DILATION. Identifiers: Orphanet 166282, MedGen C1834144, MONDO:0008102, OMIM 163800.

Submission:

Centre for Mendelian Genomics, University Medical Centre Ljubljana
Classification: Uncertain significance for Sick sinus syndrome 2, autosomal dominant. Last evaluated: 2026-07-22. Review status: criteria provided, single submitter. Criteria: ACMG Guidelines, 2015. Collection method: clinical testing. Allele origin: germline. Affected: yes. Observed: 1 variant allele.
Comment: Whole exome sequencing indicated the presence of a heterozygous missense variant of uncertain significance in the HCN4 gene. Pathogenic heterozygous variants in HCN4 are an established cause of Sick sinus syndrome 2 (OMIM:163800), with onset in utero or at birth. The identified variant has not previously been reported in association with disease in humans; however, several arguments favor a pathogenic role: (1) absence from control populations in the gnomAD project [PM2]; (2) in silico pathogenicity predictors uniformly predict the variant as pathogenic [PP3]; (3) the variant lies in exon 4, in proximity to other missense variants previously reported as pathogenic (PMID:20662977, PMID:17646576, PMID:28182231; ClinVar IDs 374859, 197253, 5176) in several families and individuals with sick sinus syndrome; (4) the variant segregates with disease in the patient's family, having been identified in a similarly affected sibling and absent in an unaffected sibling; and (5) concordance with the clinical presentation (sinus bradycardia). Although this variant is considered a plausible causal candidate, its pathogenicity cannot be conclusively established in the absence of functional studies and independently reported cases. We therefore classify the identified variant as a variant of uncertain significance.

Literature cited by the submitters: PubMed 20662977; PubMed 17646576; PubMed 28182231.